The following is an entry in ClinVar:

ClinVar aggregate classification (germline): Uncertain significance (1 of 4 stars; one submission).

Conditions:
Deficiency of aromatic-L-amino-acid decarboxylase. Also called: DDC DEFICIENCY; DOPA DECARBOXYLASE DEFICIENCY; Aromatic amino acid decarboxylase deficiency; Aromatic L-Amino Acid Decarboxylase Deficiency; AADC DEFICIENCY. Identifiers: Orphanet 35708, MedGen C1291564, MONDO:0012084, OMIM 608643.

Allele frequency attached by ClinVar (database versions not stated): TOPMed below 0.00001; ExAC 0.00001; gnomAD 0.00001; gnomAD exomes 0.00001.
gnomAD v4.1: 10 of 1,613,344 alleles (0.00062%); highest among the groups gnomAD compares: South Asian, 0.011%; no homozygotes.

Submission:

Labcorp Genetics (formerly Invitae), Labcorp
Classification: Uncertain significance for Deficiency of aromatic-L-amino-acid decarboxylase. Last evaluated: 2022-01-13. Review status: criteria provided, single submitter. Criteria: Invitae Variant Classification Sherloc (09022015). Collection method: clinical testing. Allele origin: germline.
Comment: In summary, the available evidence is currently insufficient to determine the role of this variant in disease. Therefore, it has been classified as a Variant of Uncertain Significance. This sequence change replaces histidine, which is basic and polar, with tyrosine, which is neutral and polar, at codon 337 of the DDC protein (p.His337Tyr). This variant is present in population databases (rs751531676, gnomAD 0.006%). This variant has not been reported in the literature in individuals affected with DDC-related conditions. Algorithms developed to predict the effect of missense changes on protein structure and function (SIFT, PolyPhen-2, Align-GVGD) all suggest that this variant is likely to be tolerated.

NM_001082971.2(DDC):c.1009C>T (p.His337Tyr)

Gene: DDC (dopa decarboxylase; minus strand). Cytogenetic location: 7p12.2.
Variant type: single nucleotide variant.
Coding change: c.1009C>T on transcript NM_001082971.2 (MANE Select); coding-DNA position 1009, C replaced by T.
Protein change: p.His337Tyr; replaces histidine 337 with tyrosine.
Molecular consequence: missense variant.
Genome position (GRCh38, 1-based): chr7:50,479,799, G>A on the plus strand (C>T on the coding strand, the complement: DDC is on the minus strand). VCF-style: chr7-50479799-G-A. GRCh37 (hg19) VCF-style: chr7-50547497-G-A.
Other names: c.1009C>T, p.His337Tyr (NM_000790.4); c.895C>T, p.His299Tyr (NM_001242886.2); c.865C>T, p.His289Tyr (NM_001242887.2); c.775C>T, p.His259Tyr (NM_001242888.2); c.730C>T, p.His244Tyr (NM_001242889.2); short protein forms H289Y, H299Y, H337Y, H244Y, H259Y.
Identifiers: ClinVar variation 1511889 (VCV001511889.6), dbSNP rs751531676, ClinGen allele CA4262123.